The following is an entry in ClinVar:

NM_152296.5(ATP1A3):c.2921+1G>C

Gene: ATP1A3 (ATPase Na+/K+ transporting subunit alpha 3; minus strand). Cytogenetic location: 19q13.2.
Variant type: single nucleotide variant.
Coding change: c.2921+1G>C on transcript NM_152296.5 (MANE Select); the canonical splice donor site of the intron after coding-DNA position 2921, G replaced by C.
Molecular consequence: splice donor variant.
Genome position (GRCh38, 1-based): chr19:41,967,661, C>G on the plus strand (G>C on the coding strand, the complement: ATP1A3 is on the minus strand). VCF-style: chr19-41967661-C-G. GRCh37 (hg19) VCF-style: chr19-42471813-C-G.
Other names: c.2960+1G>C (NM_001256214.2); c.2954+1G>C (NM_001256213.2).
Identifiers: ClinVar variation 1004046 (VCV001004046.7), dbSNP rs2075058462, ClinGen allele CA406035326.

ClinVar aggregate classification (germline): Likely pathogenic (1 of 4 stars; one submission).

Conditions:
Dystonia 12 (DYT12). Also called: DYT-ATP1A3; Rapid-Onset Dystonia-Parkinsonism (RDP). Identifiers: Orphanet 71517, MedGen C1868681, MONDO:0007496, OMIM 128235.

Submission:

Labcorp Genetics (formerly Invitae), Labcorp
Classification: Likely pathogenic for Dystonia 12. Last evaluated: 2021-11-01. Review status: criteria provided, single submitter. Criteria: Invitae Variant Classification Sherloc (09022015). Collection method: clinical testing. Allele origin: germline.
Comment: In summary, the currently available evidence indicates that the variant is pathogenic, but additional data are needed to prove that conclusively. Therefore, this variant has been classified as Likely Pathogenic. Algorithms developed to predict the effect of sequence changes on RNA splicing suggest that this variant may disrupt the consensus splice site. ClinVar contains an entry for this variant (Variation ID: 1004046). This variant has not been reported in the literature in individuals affected with ATP1A3-related conditions. This variant is not present in population databases (gnomAD no frequency). This sequence change affects a donor splice site in intron 21 of the ATP1A3 gene. It is expected to disrupt RNA splicing. Variants that disrupt the donor or acceptor splice site typically lead to a loss of protein function (PMID: 16199547), and loss-of-function variants in ATP1A3 are known to be pathogenic (PMID: 24631656, 24983657).

Literature cited by the submitters: PubMed 16199547; PubMed 24631656; PubMed 24983657.